The following is an entry in ClinVar:

NM_006267.5(RANBP2):c.8249G>A (p.Gly2750Glu)

Gene: RANBP2 (RAN binding protein 2; plus strand). Cytogenetic location: 2q13.
Variant type: single nucleotide variant.
Coding change: c.8249G>A on transcript NM_006267.5 (MANE Select); coding-DNA position 8249, G replaced by A.
Protein change: p.Gly2750Glu; replaces glycine 2750 with glutamic acid.
Molecular consequence: missense variant.
Genome position (GRCh38, 1-based): chr2:108,773,003, G>A. VCF-style: chr2-108773003-G-A. GRCh37 (hg19) VCF-style: chr2-109389459-G-A.
Other names: c.8327G>A, p.Gly2776Glu (NM_001415871.1); c.8246G>A, p.Gly2749Glu (NM_001415872.1); c.8249G>A, p.Gly2750Glu (NM_001415873.1); short protein forms G2749E, G2750E, G2776E.
Identifiers: ClinVar variation 2632696 (VCV002632696.1), dbSNP rs2467686462, ClinGen allele CA348082977.
Genomic context (GRCh38, chr2:108,773,003, plus strand): 5'-AACTTCCACCTACATTTTTTTGTGGAGTCTGTAGTGATACTGATGAAGACAATGGAAATG[G>A]GGAGGACTTTCAATCAGAGCTTCAAAAAGTTCAGGAAGCTCAAGTAAGAACATCTCTAAT-3'
Protein context (NP_006258.3, residues 2740-2760): CSDTDEDNGN[Gly2750Glu]EDFQSELQKV

ClinVar aggregate classification (germline): Uncertain significance (1 of 4 stars; one submission).

Conditions:
RANBP2-related disorder. Also called: RANBP2-related condition.

Allele frequency attached by ClinVar (database versions not stated): gnomAD exomes below 0.00001.
gnomAD v4.1: 3 of 1,613,798 alleles (0.00019%); highest among the groups gnomAD compares: Non-Finnish European, 0.00025%; no homozygotes.

Submission:

PreventionGenetics, part of Exact Sciences
Classification: Uncertain significance for RANBP2-related condition. Last evaluated: 2023-06-02. Review status: criteria provided, single submitter. Criteria: ACMG Guidelines, 2015. Collection method: clinical testing. Allele origin: germline.
Comment: The RANBP2 c.8249G>A variant is predicted to result in the amino acid substitution p.Gly2750Glu. To our knowledge, this variant has not been reported in the literature or in a large population database, indicating this variant is rare. At this time, the clinical significance of this variant is uncertain due to the absence of conclusive functional and genetic evidence.